The following is an entry in ClinVar:

NM_001211.6(BUB1B):c.2801A>G (p.Gln934Arg)

Genes: BUB1B (BUB1 mitotic checkpoint serine/threonine kinase B; plus strand), BUB1B-PAK6 (BUB1B-PAK6 readthrough; plus strand). Cytogenetic location: 15q15.1.
Variant type: single nucleotide variant.
Coding change: c.2801A>G on transcript NM_001211.6 (MANE Select); coding-DNA position 2801, A replaced by G.
Protein change: p.Gln934Arg; replaces glutamine 934 with arginine.
Molecular consequence: missense variant. On other transcripts: 5 prime UTR variant (2).
Genome position (GRCh38, 1-based): chr15:40,217,618, A>G. VCF-style: chr15-40217618-A-G. GRCh37 (hg19) VCF-style: chr15-40509819-A-G.
Other names: c.-250A>G (NM_001128628.3); c.-167A>G (NM_001128629.3); short protein forms Q934R.
Identifiers: ClinVar variation 403744 (VCV000403744.4), dbSNP rs781299320, ClinGen allele CA7476128.
Genomic context (GRCh38, chr15:40,217,618, plus strand): 5'-ACAGTGTTGACCTTAGGGTGCAGCTGGATGTTTTTACCCTCAGCGGCTTTCGGACTGTAC[A>G]GATCCTGGAAGGACAAAAGATCCTGGCTAACTGTTCTTCTCCCTACCAGGTAAGTGTAAA-3'
Protein context (NP_001202.5, residues 924-944): VFTLSGFRTV[Gln934Arg]ILEGQKILAN

ClinVar aggregate classification (germline): Uncertain significance. Review status: criteria provided, multiple submitters, no conflicts (2 of 4 stars). 2 submissions from 2 submitters: Uncertain significance (2). Last evaluated 2024-11-19.

Conditions:
Inborn genetic diseases. Identifiers: MedGen C0950123, MeSH D030342.
Mosaic variegated aneuploidy syndrome 1 (MVA1). Also called: Warburton-Anyane-Yeboa syndrome. Identifiers: Orphanet 1052, MedGen C1850343, MONDO:0009759, OMIM 257300.

Allele frequency attached by ClinVar (database versions not stated): TOPMed 0.00004; gnomAD exomes below 0.00001; ExAC 0.00001; gnomAD 0.00001.
gnomAD v4.1: 9 of 1,614,108 alleles (0.00056%); highest among the groups gnomAD compares: Admixed American, 0.0017%; no homozygotes.

Submissions (2):

Ambry Genetics
Classification: Uncertain significance for Inborn genetic diseases. Last evaluated: 2024-11-19. Review status: criteria provided, single submitter. Criteria: Ambry Variant Classification Scheme 2023. Collection method: clinical testing. Allele origin: germline.

Labcorp Genetics (formerly Invitae), Labcorp
Classification: Uncertain significance for Mosaic variegated aneuploidy syndrome 1. Last evaluated: 2024-09-02. Review status: criteria provided, single submitter. Criteria: Invitae Variant Classification Sherloc (09022015). Collection method: clinical testing. Allele origin: germline.
Comment: This sequence change replaces glutamine, which is neutral and polar, with arginine, which is basic and polar, at codon 934 of the BUB1B protein (p.Gln934Arg). This variant is present in population databases (rs781299320, gnomAD 0.003%). This variant has not been reported in the literature in individuals affected with BUB1B-related conditions. ClinVar contains an entry for this variant (Variation ID: 403744). An algorithm developed to predict the effect of missense changes on protein structure and function (PolyPhen-2) suggests that this variant is likely to be disruptive. In summary, the available evidence is currently insufficient to determine the role of this variant in disease. Therefore, it has been classified as a Variant of Uncertain Significance.